The following is an entry in ClinVar:

NM_004168.4(SDHA):c.837G>A (p.Met279Ile)

Gene: SDHA (succinate dehydrogenase complex flavoprotein subunit A; plus strand). Cytogenetic location: 5p15.33.
Variant type: single nucleotide variant.
Coding change: c.837G>A on transcript NM_004168.4 (MANE Select); coding-DNA position 837, G replaced by A.
Protein change: p.Met279Ile; replaces methionine 279 with isoleucine.
Molecular consequence: missense variant.
Genome position (GRCh38, 1-based): chr5:230,942, G>A. VCF-style: chr5-230942-G-A. GRCh37 (hg19) VCF-style: chr5-231057-G-A.
Other names: c.693G>A, p.Met231Ile (NM_001294332.2); c.837G>A, p.Met279Ile (NM_001330758.2); short protein forms M231I, M279I.
Identifiers: ClinVar variation 2940385 (VCV002940385.3), dbSNP rs746145822, ClinGen allele CA3173006.
Genomic context (GRCh38, chr5:230,942, plus strand): 5'-CGGGCGCACCTACTTCAGCTGCACGTCTGCCCACACCAGCACTGGCGACGGCACGGCCAT[G>A]ATCACCAGGGCAGGCCTTCCTTGCCAGGACCTAGAGTTTGTTCAGTTCCACCCTACAGGT-3'
Protein context (NP_004159.2, residues 269-289): AHTSTGDGTA[Met279Ile]ITRAGLPCQD

ClinVar aggregate classification (germline): Uncertain significance (1 of 4 stars; one submission).

Conditions:
Mitochondrial complex II deficiency, nuclear type 1. Also called: SUCCINATE CoQ REDUCTASE DEFICIENCY. Identifiers: Orphanet 3208, MedGen C5700310, MONDO:0100294, OMIM 252011.
Pheochromocytoma/paraganglioma syndrome 5. Also called: Paragangliomas 5; SDHA-Related Hereditary Paraganglioma-Pheochromocytoma Syndrome. Identifiers: Orphanet 29072, MedGen C3279992, MONDO:0013602, OMIM 614165.

Allele frequency attached by ClinVar (database versions not stated): ExAC 0.00001.

Submission:

Labcorp Genetics (formerly Invitae), Labcorp
Classification: Uncertain significance for Pheochromocytoma/paraganglioma syndrome 5; Mitochondrial complex II deficiency, nuclear type 1. Last evaluated: 2023-01-10. Review status: criteria provided, single submitter. Criteria: Invitae Variant Classification Sherloc (09022015). Collection method: clinical testing. Allele origin: germline.
Comment: This sequence change replaces methionine, which is neutral and non-polar, with isoleucine, which is neutral and non-polar, at codon 279 of the SDHA protein (p.Met279Ile). The frequency data for this variant in the population databases is considered unreliable, as metrics indicate poor data quality at this position in the gnomAD database. This variant has not been reported in the literature in individuals affected with SDHA-related conditions. Advanced modeling of protein sequence and biophysical properties (such as structural, functional, and spatial information, amino acid conservation, physicochemical variation, residue mobility, and thermodynamic stability) performed at Invitae indicates that this missense variant is not expected to disrupt SDHA protein function. In summary, the available evidence is currently insufficient to determine the role of this variant in disease. Therefore, it has been classified as a Variant of Uncertain Significance.